The following is an entry in ClinVar:

NM_000210.4(ITGA6):c.267C>T (p.Thr89=)

Genes: ITGA6 (integrin subunit alpha 6; plus strand), ITGA6-AS1 (ITGA6 and PDK1 antisense RNA 1; minus strand), PDK1-AS1 (PDK1 and ITGA6 antisense RNA 1; minus strand). Cytogenetic location: 2q31.1.
Variant type: single nucleotide variant.
Coding change: c.267C>T on transcript NM_000210.4 (MANE Select); coding-DNA position 267, C replaced by T.
Protein change: p.Thr89=; no amino-acid change (threonine 89 retained).
Molecular consequence: synonymous variant. On other transcripts: 5 prime UTR variant (1).
Genome position (GRCh38, 1-based): chr2:172,465,623, C>T. VCF-style: chr2-172465623-C-T. GRCh37 (hg19) VCF-style: chr2-173330351-C-T.
Other names: c.267C>T, p.Thr89= (NM_001079818.3, NM_001365529.2, NM_001365530.2 and 1 more transcripts); c.-76C>T (NM_001316306.2); c.267C>T (NM_000210.3).
Identifiers: ClinVar variation 2724830 (VCV002724830.5), dbSNP rs748713488, ClinGen allele CA1967769.

ClinVar aggregate classification (germline): Likely benign. Review status: criteria provided, single submitter (1 of 4 stars). 2 submissions from 2 submitters: Likely benign (1). 1 of the submissions does not count toward it. Last evaluated 2024-02-09.

Conditions:
ITGA6-related disorder. Also called: ITGA6-related condition.

Allele frequency attached by ClinVar (database versions not stated): ExAC 0.00002; gnomAD 0.00002; TOPMed 0.00002.
gnomAD v4.1: 27 of 1,614,118 alleles (0.0017%); highest among the groups gnomAD compares: Admixed American, 0.0083%; no homozygotes.

Submissions (2):

Labcorp Genetics (formerly Invitae), Labcorp
Classification: Likely benign. Last evaluated: 2024-02-09. Review status: criteria provided, single submitter. Criteria: Invitae Variant Classification Sherloc (09022015). Collection method: clinical testing. Allele origin: germline.

PreventionGenetics, part of Exact Sciences
Classification: Likely benign for ITGA6-related condition. Last evaluated: 2022-10-12. Review status: no assertion criteria provided. Collection method: clinical testing. Allele origin: germline. Not counted in ClinVar's aggregate classification.
Comment: This variant is classified as likely benign based on ACMG/AMP sequence variant interpretation guidelines (Richards et al. 2015 PMID: 25741868, with internal and published modifications).